The following is an entry in ClinVar:

NM_153700.2(STRC):c.4399G>A (p.Val1467Ile)

Gene: STRC (stereocilin; minus strand). Cytogenetic location: 15q15.3.
Variant type: single nucleotide variant.
Coding change: c.4399G>A on transcript NM_153700.2 (MANE Select); coding-DNA position 4399, G replaced by A.
Protein change: p.Val1467Ile; replaces valine 1467 with isoleucine.
Molecular consequence: missense variant.
Genome position (GRCh38, 1-based): chr15:43,603,388, C>T on the plus strand (G>A on the coding strand, the complement: STRC is on the minus strand). VCF-style: chr15-43603388-C-T. GRCh37 (hg19) VCF-style: chr15-43895586-C-T.
Other names: short protein forms V1467I.
Identifiers: ClinVar variation 227969 (VCV000227969.11), dbSNP rs147447264, ClinGen allele CA7528037.

ClinVar aggregate classification (germline): Likely benign. Review status: criteria provided, multiple submitters, no conflicts (2 of 4 stars). 6 submissions from 6 submitters: Likely benign (4). 2 of the submissions do not count toward it. Last evaluated 2026-07-01.

Conditions:
Deafness-infertility syndrome. Also called: Deafness and male infertility. Identifiers: Orphanet 94064, MedGen C1970187, MONDO:0012621, OMIM 611102.
Autosomal recessive nonsyndromic hearing loss 16. Also called: DEAFNESS, AUTOSOMAL RECESSIVE 16; DFNB16 Nonsyndromic Hearing Loss and Deafness. Identifiers: Orphanet 90636, MedGen C1863561, MONDO:0011364, OMIM 603720.
Spermatogenic failure 7. Also called: MALE INFERTILITY, NONSYNDROMIC, AUTOSOMAL RECESSIVE. Identifiers: Orphanet 276234, MedGen C2751811, MONDO:0013070, OMIM 612997.

Allele frequency attached by ClinVar (database versions not stated): 1000 Genomes Project 30x 0.00016; 1000 Genomes Project 0.00020; gnomAD 0.00064 and 0.00067; ESP Exome Variant Server 0.00069; TOPMed 0.00071; ExAC 0.00092; gnomAD exomes 0.00097 and 0.00113.
gnomAD v4.1: 1,727 of 1,613,688 alleles (0.11%); highest among the groups gnomAD compares: Non-Finnish European, 0.13%; 16 homozygotes.

Submissions (6):

CeGaT Center for Human Genetics Tuebingen
Classification: Likely benign. Last evaluated: 2026-07-01. Review status: criteria provided, single submitter. Criteria: CeGaT Center For Human Genetics Tuebingen Variant Classification Criteria Version 2. Collection method: clinical testing. Allele origin: germline. Affected: yes. Observed: 2 variant alleles.
Comment: STRC: BP4, BS2

Blueprint Genetics
Classification: Likely benign. Last evaluated: 2024-11-23. Review status: criteria provided, single submitter. Criteria: ACMG Guidelines, 2015. Collection method: clinical testing. Allele origin: germline.

Department of Pathology and Laboratory Medicine, Sinai Health System
Classification: Likely benign for Autosomal recessive nonsyndromic hearing loss 16; Deafness-infertility syndrome; Spermatogenic failure 7. Last evaluated: 2022-02-07. Review status: criteria provided, single submitter. Criteria: ACMG Guidelines, 2015. Collection method: research. Allele origin: germline.

Laboratory for Molecular Medicine, Mass General Brigham Personalized Medicine
Classification: Likely benign. Last evaluated: 2015-04-17. Review status: criteria provided, single submitter. Criteria: LMM Criteria. Collection method: clinical testing. Allele origin: germline. Observed: 1 variant allele.
Comment: p.Val1467Ile in exon 23 of STRC: This variant is not expected to have clinical s ignificance due to a lack of conservation across species, including mammals. Of note, 19 mammals have an isoleucine (Ile) at this position despite high nearby a mino acid conservation. Additional computational prediction tools do not suggest a high likelihood of impact to the protein. The variant has also been identifie d in 0.2% (105/66670) of European chromosomes including 1 homozygote by the Exom e Aggregation Consortium (ExAC; dbSNP rs14744726 4).

Clinical Genetics DNA and cytogenetics Diagnostics Lab, Erasmus MC, Erasmus Medical Center
Classification: Likely benign. Review status: no assertion criteria provided. Collection method: clinical testing. Allele origin: germline. Affected: yes. Study: VKGL Data-share Consensus. Not counted in ClinVar's aggregate classification.

Joint Genome Diagnostic Labs from Nijmegen and Maastricht, Radboudumc and MUMC+
Classification: Likely benign. Review status: no assertion criteria provided. Collection method: clinical testing. Allele origin: germline. Affected: yes. Study: VKGL Data-share Consensus. Not counted in ClinVar's aggregate classification.

Literature cited by the submitters: PubMed 25157971 (cited by Laboratory for Molecular Medicine, Mass General Brigham Personalized Medicine).